The following is an entry in ClinVar:

NM_000095.3(COMP):c.920G>T (p.Gly307Val)

Gene: COMP (cartilage oligomeric matrix protein; minus strand). Cytogenetic location: 19p13.11.
Variant type: single nucleotide variant.
Coding change: c.920G>T on transcript NM_000095.3 (MANE Select); coding-DNA position 920, G replaced by T.
Protein change: p.Gly307Val; replaces glycine 307 with valine.
Molecular consequence: missense variant.
Genome position (GRCh38, 1-based): chr19:18,788,267, C>A on the plus strand (G>T on the coding strand, the complement: COMP is on the minus strand). VCF-style: chr19-18788267-C-A. GRCh37 (hg19) VCF-style: chr19-18899076-C-A.
Other names: short protein forms G307V.
Identifiers: ClinVar variation 4742274 (VCV004742274.1).

ClinVar aggregate classification (germline): Uncertain significance (1 of 4 stars; one submission).

gnomAD v4.1: 1 of 1,613,192 alleles (0.000062%); no homozygotes.

Submission:

Labcorp Genetics (formerly Invitae), Labcorp
Classification: Uncertain significance. Last evaluated: 2025-06-17. Review status: criteria provided, single submitter. Criteria: Invitae Variant Classification Sherloc (09022015). Collection method: clinical testing. Allele origin: germline.
Comment: This sequence change replaces glycine, which is neutral and non-polar, with valine, which is neutral and non-polar, at codon 307 of the COMP protein (p.Gly307Val). This variant is not present in population databases (gnomAD no frequency). This variant has not been reported in the literature in individuals affected with COMP-related conditions. Invitae Evidence Modeling of protein sequence and biophysical properties (such as structural, functional, and spatial information, amino acid conservation, physicochemical variation, residue mobility, and thermodynamic stability) has been performed for this missense variant. However, the output from this modeling did not meet the statistical confidence thresholds required to predict the impact of this variant on COMP protein function. In summary, the available evidence is currently insufficient to determine the role of this variant in disease. Therefore, it has been classified as a Variant of Uncertain Significance.